The following is an entry in ClinVar:

ClinVar aggregate classification (germline): Uncertain significance (1 of 4 stars; one submission).

Conditions:
Acute myeloid leukemia (AML). Also called: Acute myeloid leukemia, adult; AML adult; Acute non-lymphocytic leukemia; Acute granulocytic leukemia; Leukemia, acute myeloid, somatic; Leukemia, acute myelogenous, somatic. Identifiers: Orphanet 519, MedGen C0023467, MeSH D015470, MONDO:0018874, OMIM 601626, HP:0004808. Disease mechanism: Constitutively activated FLT3.

Submission:

Labcorp Genetics (formerly Invitae), Labcorp
Classification: Uncertain significance for Acute myeloid leukemia. Last evaluated: 2024-05-22. Review status: criteria provided, single submitter. Criteria: Invitae Variant Classification Sherloc (09022015). Collection method: clinical testing. Allele origin: germline.
Comment: This sequence change replaces phenylalanine, which is neutral and non-polar, with isoleucine, which is neutral and non-polar, at codon 6 of the CEBPA protein (p.Phe6Ile). This variant is not present in population databases (gnomAD no frequency). This variant has not been reported in the literature in individuals affected with CEBPA-related conditions. ClinVar contains an entry for this variant (Variation ID: 662745). An algorithm developed to predict the effect of missense changes on protein structure and function (PolyPhen-2) suggests that this variant is likely to be tolerated. In summary, the available evidence is currently insufficient to determine the role of this variant in disease. Therefore, it has been classified as a Variant of Uncertain Significance.

NM_004364.5(CEBPA):c.16T>A (p.Phe6Ile)

Genes: CEBPA (CCAAT enhancer binding protein alpha; minus strand), LOC130064183 (ATAC-STARR-seq lymphoblastoid silent region 10495; plus strand). Cytogenetic location: 19q13.11.
Variant type: single nucleotide variant.
Coding change: c.16T>A on transcript NM_004364.5 (MANE Select); coding-DNA position 16, T replaced by A.
Protein change: p.Phe6Ile; replaces phenylalanine 6 with isoleucine.
Molecular consequence: missense variant. On other transcripts: 5 prime UTR variant (2).
Genome position (GRCh38, 1-based): chr19:33,302,399, A>T on the plus strand (T>A on the coding strand, the complement: CEBPA is on the minus strand). VCF-style: chr19-33302399-A-T. GRCh37 (hg19) VCF-style: chr19-33793305-A-T.
Other names: c.-342T>A (NM_001285829.2); c.121T>A, p.Phe41Ile (NM_001287424.2); c.-27T>A (NM_001287435.2); short protein forms F41I, F6I.
Identifiers: ClinVar variation 662745 (VCV000662745.9), dbSNP rs1600024682, ClinGen allele CA405275861.